The following is an entry in ClinVar:

ClinVar aggregate classification (germline): Benign. Review status: criteria provided, multiple submitters, no conflicts (2 of 4 stars). 3 submissions from 3 submitters: Benign (2). 1 of the submissions does not count toward it. Last evaluated 2019-12-31.

Conditions:
NOS1-related disorder. Also called: NOS1-related condition.

Allele frequency attached by ClinVar (database versions not stated): gnomAD exomes 0.00181 and 0.00459; ExAC 0.00652; gnomAD 0.01776 and 0.01897; ESP Exome Variant Server 0.01990; TOPMed 0.02045; 1000 Genomes Project 0.02316; 1000 Genomes Project 30x 0.02514.
gnomAD v4.1: 5,465 of 1,604,272 alleles (0.34%); highest among the groups gnomAD compares: African/African-American, 6.2%; 164 homozygotes.

Submissions (3):

Labcorp Genetics (formerly Invitae), Labcorp
Classification: Benign. Last evaluated: 2019-12-31. Review status: criteria provided, single submitter. Criteria: Invitae Variant Classification Sherloc (09022015). Collection method: clinical testing. Allele origin: germline.

Breakthrough Genomics
Classification: Benign. Review status: criteria provided, single submitter. Criteria: ACMG Guidelines, 2015. Collection method: not provided. Allele origin: germline. Inheritance: Unknown mechanism. Affected: yes.

PreventionGenetics, part of Exact Sciences
Classification: Benign for NOS1-related condition. Last evaluated: 2019-02-27. Review status: no assertion criteria provided. Collection method: clinical testing. Allele origin: germline. Not counted in ClinVar's aggregate classification.
Comment: This variant is classified as benign based on ACMG/AMP sequence variant interpretation guidelines (Richards et al. 2015 PMID: 25741868, with internal and published modifications).

NM_000620.5(NOS1):c.3042-6C>T

Gene: NOS1 (nitric oxide synthase 1; minus strand). Cytogenetic location: 12q24.22.
Variant type: single nucleotide variant.
Coding change: c.3042-6C>T on transcript NM_000620.5 (MANE Select); 6 bases into the intron before coding-DNA position 3042, C replaced by T.
Molecular consequence: intron variant.
Genome position (GRCh38, 1-based): chr12:117,234,764, G>A on the plus strand (C>T on the coding strand, the complement: NOS1 is on the minus strand). VCF-style: chr12-117234764-G-A. GRCh37 (hg19) VCF-style: chr12-117672569-G-A.
Other names: c.3144-6C>T (NM_001204218.2, NM_001204218.1); c.2034-6C>T (NM_001204214.2, NM_001204213.2).
Identifiers: ClinVar variation 776753 (VCV000776753.7), dbSNP rs9658481, ClinGen allele CA6814616.